The following is an entry in ClinVar:

ClinVar aggregate classification (germline): Uncertain significance. Review status: criteria provided, multiple submitters, no conflicts (2 of 4 stars). 6 submissions from 6 submitters: Uncertain significance (6). Last evaluated 2026-08-01.

Conditions:
PKD1-related disorder. Also called: PKD1-related condition.
Inborn genetic diseases. Identifiers: MedGen C0950123, MeSH D030342.
Polycystic kidney disease, adult type (PKD1). Also called: POLYCYSTIC KIDNEY DISEASE 1 WITH OR WITHOUT POLYCYSTIC LIVER DISEASE; POLYCYSTIC KIDNEY DISEASE, ADULT, TYPE I; Polycystic Kidney Disease 1, Autosomal Dominant; Polycystic kidney disease 1; Polycystic kidney disease 1, severe; Polycystic Kidney, Autosomal Dominant. Identifiers: MedGen C3149841, MONDO:0008263, OMIM 173900.

Allele frequency attached by ClinVar (database versions not stated): TOPMed 0.00004; gnomAD exomes 0.00007; ExAC 0.00008; gnomAD 0.00010.
gnomAD v4.1: 49 of 1,591,240 alleles (0.0031%); highest among the groups gnomAD compares: African/African-American, 0.0094%; no homozygotes.

Submissions (6):

PreventionGenetics, part of Exact Sciences
Classification: Uncertain significance for PKD1-related condition. Last evaluated: 2026-08-01. Review status: criteria provided, single submitter. Criteria: ACMG Guidelines, 2015. Collection method: clinical testing. Allele origin: germline.
Comment: The PKD1 c.10042C>T variant is predicted to result in the amino acid substitution p.Arg3348Trp. To our knowledge, this variant has not been reported in the literature. This variant is reported in 0.021% of alleles in individuals of African descent in gnomAD. Although we suspect that this variant may be benign, at this time, the clinical significance of this variant is uncertain due to the absence of conclusive functional and genetic evidence.

Ambry Genetics
Classification: Uncertain significance for Inborn genetic diseases. Last evaluated: 2025-08-11. Review status: criteria provided, single submitter. Criteria: Ambry Variant Classification Scheme 2023. Collection method: clinical testing. Allele origin: germline.

Genetic Services Laboratory, University of Chicago
Classification: Uncertain significance. Last evaluated: 2024-02-14. Review status: criteria provided, single submitter. Criteria: ACMG Guidelines, 2015. Collection method: clinical testing. Allele origin: germline. Affected: no.
Comment: DNA sequence analysis of the PKD1 gene demonstrated a sequence change, c.10042C>T, in exon 30 that results in an amino acid change, p.Arg3348Trp. This sequence change does not appear to have been previously described in individuals with PKD1-related disorders. This sequence change has been described in the gnomAD database with an overall frequency of 0.007% (dbSNP rs769208706). The p.Arg3348Trp change affects a moderately conserved amino acid residue located in a domain of the PKD1 protein that is not known to be functional. In-silico pathogenicity prediction tools (SIFT, PolyPhen2, Align GVGD, REVEL) provide contradictory results for the p.Arg3348Trp substitution. Due to insufficient evidence and the lack of functional studies, the clinical significance of the p.Arg3348Trp change remains unknown at this time.

GeneDx
Classification: Uncertain significance. Last evaluated: 2022-10-07. Review status: criteria provided, single submitter. Criteria: GeneDx Variant Classification Process June 2021. Collection method: clinical testing. Allele origin: germline. Affected: yes.
Comment: In silico analysis supports that this missense variant has a deleterious effect on protein structure/function; Has not been previously published as pathogenic or benign to our knowledge

Fulgent Genetics
Classification: Uncertain significance for Polycystic kidney disease, adult type. Last evaluated: 2022-04-15. Review status: criteria provided, single submitter. Criteria: ACMG Guidelines, 2015. Collection method: clinical testing. Allele origin: unknown.

ARUP Laboratories, Molecular Genetics and Genomics, ARUP Laboratories
Classification: Uncertain significance. Last evaluated: 2016-11-14. Review status: criteria provided, single submitter. Criteria: ARUP Molecular Germline Variant Investigation Process. Collection method: clinical testing. Allele origin: germline.

NM_001009944.3(PKD1):c.10042C>T (p.Arg3348Trp)

Gene: PKD1 (polycystin 1, transient receptor potential channel interacting; minus strand). Cytogenetic location: 16p13.3.
Variant type: single nucleotide variant.
Coding change: c.10042C>T on transcript NM_001009944.3 (MANE Select); coding-DNA position 10042, C replaced by T.
Protein change: p.Arg3348Trp; replaces arginine 3348 with tryptophan.
Molecular consequence: missense variant.
Genome position (GRCh38, 1-based): chr16:2,099,652, G>A on the plus strand (C>T on the coding strand, the complement: PKD1 is on the minus strand). VCF-style: chr16-2099652-G-A. GRCh37 (hg19) VCF-style: chr16-2149653-G-A.
Other names: c.10042C>T, p.Arg3348Trp (NM_000296.4); c.10042C>T (NM_001009944.2); short protein forms R3348W.
Identifiers: ClinVar variation 440099 (VCV000440099.14), dbSNP rs769208706, ClinGen allele CA7829853.
Genomic context (GRCh38, chr16:2,099,652, plus strand): 5'-CCGAGGCCCAGGCTCCATTCCCAGTACTCCCGGGTCCCCAGCCCCAGCCCACCTTGCTCC[G>A]GGACATCCGGAAGAGAAAAAGGATGGCCAGGTAGACGGGATAGACAACCACGCTGGACAC-3'
Protein context (NP_001009944.3, residues 3338-3358): LAILFLFRMS[Arg3348Trp]SKVAGSPSPT